The following is an entry in ClinVar:

NM_004304.5(ALK):c.2488A>T (p.Met830Leu)

Gene: ALK (ALK receptor tyrosine kinase; minus strand). Cytogenetic location: 2p23.2.
Variant type: single nucleotide variant.
Coding change: c.2488A>T on transcript NM_004304.5 (MANE Select); coding-DNA position 2488, A replaced by T.
Protein change: p.Met830Leu; replaces methionine 830 with leucine.
Molecular consequence: missense variant.
Genome position (GRCh38, 1-based): chr2:29,232,448, T>A on the plus strand (A>T on the coding strand, the complement: ALK is on the minus strand). VCF-style: chr2-29232448-T-A. GRCh37 (hg19) VCF-style: chr2-29455314-T-A.
Other names: short protein forms M830L.
Identifiers: ClinVar variation 335701 (VCV000335701.17), dbSNP rs780536554, ClinGen allele CA1594284.

ClinVar aggregate classification (germline): Conflicting classifications of pathogenicity. Review status: criteria provided, conflicting classifications (1 of 4 stars). 5 submissions from 5 submitters: Uncertain significance (4); Likely benign (1). Last evaluated 2025-12-29.

Conditions:
Hereditary cancer-predisposing syndrome. Also called: Tumor predisposition; Hereditary Cancer Syndrome; Neoplastic Syndromes, Hereditary; Hereditary neoplastic syndrome. Identifiers: Orphanet 140162, MedGen C0027672, MeSH D009386, MONDO:0015356.
Neuroblastoma, susceptibility to, 3. Also called: ALK-Related Neuroblastic Tumor Susceptibility. Identifiers: Orphanet 635, MedGen C2751681, MONDO:0013083, OMIM 613014.

Allele frequency attached by ClinVar (database versions not stated): gnomAD exomes below 0.00001 and 0.00002; ExAC 0.00001; gnomAD 0.00001 and 0.00002; TOPMed 0.00003.
gnomAD v4.1: 39 of 1,614,086 alleles (0.0024%); highest among the groups gnomAD compares: Non-Finnish European, 0.003%; no homozygotes.

Submissions (5):

Labcorp Genetics (formerly Invitae), Labcorp
Classification: Uncertain significance for Neuroblastoma, susceptibility to, 3. Last evaluated: 2025-12-29. Review status: criteria provided, single submitter. Criteria: Invitae Variant Classification Sherloc (09022015). Collection method: clinical testing. Allele origin: germline.
Comment: This sequence change replaces methionine, which is neutral and non-polar, with leucine, which is neutral and non-polar, at codon 830 of the ALK protein (p.Met830Leu). This variant is present in population databases (rs780536554, gnomAD 0.007%). This variant has not been reported in the literature in individuals affected with ALK-related conditions. ClinVar contains an entry for this variant (Variation ID: 335701). An algorithm developed to predict the effect of missense changes on protein structure and function (PolyPhen-2) suggests that this variant is likely to be tolerated. In summary, the available evidence is currently insufficient to determine the role of this variant in disease. Therefore, it has been classified as a Variant of Uncertain Significance.

Ambry Genetics
Classification: Likely benign for Hereditary cancer-predisposing syndrome. Last evaluated: 2025-01-16. Review status: criteria provided, single submitter. Criteria: Ambry Variant Classification Scheme 2023. Collection method: clinical testing. Allele origin: germline.

GeneDx
Classification: Uncertain significance. Last evaluated: 2024-03-21. Review status: criteria provided, single submitter. Criteria: GeneDx Variant Classification Process June 2021. Collection method: clinical testing. Allele origin: germline. Affected: yes.
Comment: Not observed at significant frequency in large population cohorts (gnomAD); In silico analysis supports that this missense variant does not alter protein structure/function; Has not been previously published as pathogenic or benign to our knowledge; This variant is associated with the following publications: (PMID: 30981987)

Baylor Genetics
Classification: Uncertain significance for Neuroblastoma, susceptibility to, 3. Last evaluated: 2024-01-26. Review status: criteria provided, single submitter. Criteria: ACMG Guidelines, 2015. Collection method: clinical testing. Allele origin: unknown.

Illumina Laboratory Services, Illumina
Classification: Uncertain significance for Neuroblastoma, susceptibility to, 3. Last evaluated: 2018-01-13. Review status: criteria provided, single submitter. Criteria: ICSL Variant Classification Criteria 13 December 2019. Collection method: clinical testing. Allele origin: germline.